The following is an entry in ClinVar:

ClinVar aggregate classification (germline): Pathogenic. Review status: criteria provided, multiple submitters, no conflicts (2 of 4 stars). 2 submissions from 2 submitters: Pathogenic (2). Last evaluated 2026-03-11.

Conditions:
Branchiooculofacial syndrome (BOFS). Also called: BOF SYNDROME; Branchio-Oculo-Facial Syndrome; HEMANGIOMATOUS BRANCHIAL CLEFTS-LIP PSEUDOCLEFT SYNDROME; LIP PSEUDOCLEFT-HEMANGIOMATOUS BRANCHIAL CYST SYNDROME. Identifiers: Orphanet 1297, MedGen C0376524, MeSH D019280, MONDO:0007235, OMIM 113620.

Submissions (2):

GeneDx
Classification: Pathogenic. Last evaluated: 2026-03-11. Review status: criteria provided, single submitter. Criteria: GeneDx Variant Classification Process June 2021. Collection method: clinical testing. Allele origin: germline.
Comment: Published functional studies demonstrate abolished DNA binding activity, a dominant-negative effect on transcriptional activity, and reduced nuclear localization of the protein (PMID: 23578821); Not observed at significant frequency in large population cohorts (gnomAD); In silico analysis supports that this missense variant has a deleterious effect on protein structure/function; This variant is associated with the following publications: (PMID: 37589029, 21204207, 23578821, 20358615, 31829210)

Center for Human Genetics, Inc
Classification: Pathogenic for Branchiooculofacial syndrome. Last evaluated: 2016-11-01. Review status: criteria provided, single submitter. Criteria: ACMG Guidelines, 2015. Collection method: clinical testing. Allele origin: germline. Affected: yes.

NM_001372066.1(TFAP2A):c.716G>C (p.Arg239Pro)

Genes: TFAP2A (transcription factor AP-2 alpha; minus strand), TFAP2A-AS2 (TFAP2A antisense RNA 2; plus strand), LOC121740638 (BRD4-independent group 4 enhancer GRCh37_chr6:10403277-10404476; plus strand). Cytogenetic location: 6p24.3.
Variant type: single nucleotide variant.
Coding change: c.716G>C on transcript NM_001372066.1 (MANE Select); coding-DNA position 716, G replaced by C.
Protein change: p.Arg239Pro; replaces arginine 239 with proline.
Molecular consequence: missense variant. On other transcripts: non-coding transcript variant (1).
Genome position (GRCh38, 1-based): chr6:10,404,562, C>G on the plus strand (G>C on the coding strand, the complement: TFAP2A is on the minus strand). VCF-style: chr6-10404562-C-G. GRCh37 (hg19) VCF-style: chr6-10404795-C-G.
Other names: c.692G>C, p.Arg231Pro (NM_001032280.3); c.698G>C, p.Arg233Pro (NM_001042425.3); short protein forms R231P, R233P, R239P.
Identifiers: ClinVar variation 547798 (VCV000547798.3), dbSNP rs151344525, ClinGen allele CA134049079.